The following is an entry in ClinVar:

NM_019032.6(ADAMTSL4):c.2957G>A (p.Cys986Tyr)

Gene: ADAMTSL4 (ADAMTS like 4; plus strand). Cytogenetic location: 1q21.2.
Variant type: single nucleotide variant.
Coding change: c.2957G>A on transcript NM_019032.6 (MANE Select); coding-DNA position 2957, G replaced by A.
Protein change: p.Cys986Tyr; replaces cysteine 986 with tyrosine.
Molecular consequence: missense variant.
Genome position (GRCh38, 1-based): chr1:150,559,774, G>A. VCF-style: chr1-150559774-G-A. GRCh37 (hg19) VCF-style: chr1-150532250-G-A.
Other names: c.2840G>A, p.Cys947Tyr (NM_001288607.2); c.3026G>A, p.Cys1009Tyr (NM_001288608.2); c.2957G>A, p.Cys986Tyr (NM_001378596.1); short protein forms C1009Y, C947Y, C986Y.
Identifiers: ClinVar variation 4778608 (VCV004778608.1).

ClinVar aggregate classification (germline): Uncertain significance (1 of 4 stars; one submission).

gnomAD v4.1: 4 of 1,613,940 alleles (0.00025%); highest among the groups gnomAD compares: Admixed American, 0.005%; no homozygotes.

Submission:

Labcorp Genetics (formerly Invitae), Labcorp
Classification: Uncertain significance. Last evaluated: 2025-03-26. Review status: criteria provided, single submitter. Criteria: Invitae Variant Classification Sherloc (09022015). Collection method: clinical testing. Allele origin: germline.
Comment: This sequence change replaces cysteine, which is neutral and slightly polar, with tyrosine, which is neutral and polar, at codon 986 of the ADAMTSL4 protein (p.Cys986Tyr). This variant is present in population databases (rs773306040, gnomAD 0.006%). This variant has not been reported in the literature in individuals affected with ADAMTSL4-related conditions. Invitae Evidence Modeling of protein sequence and biophysical properties (such as structural, functional, and spatial information, amino acid conservation, physicochemical variation, residue mobility, and thermodynamic stability) has been performed for this missense variant. However, the output from this modeling did not meet the statistical confidence thresholds required to predict the impact of this variant on ADAMTSL4 protein function. In summary, the available evidence is currently insufficient to determine the role of this variant in disease. Therefore, it has been classified as a Variant of Uncertain Significance.